The following is an entry in ClinVar:

ClinVar aggregate classification (germline): Uncertain significance (1 of 4 stars; one submission).

Conditions:
RYR1-related disorder. Also called: RYR1-related disorders; RYR1-related condition. Identifiers: MedGen CN239331.

Submission:

Labcorp Genetics (formerly Invitae), Labcorp
Classification: Uncertain significance for RYR1-related disorder. Last evaluated: 2021-11-08. Review status: criteria provided, single submitter. Criteria: Invitae Variant Classification Sherloc (09022015). Collection method: clinical testing. Allele origin: germline.
Comment: This sequence change replaces valine, which is neutral and non-polar, with leucine, which is neutral and non-polar, at codon 4839 of the RYR1 protein (p.Val4839Leu). This variant is not present in population databases (gnomAD no frequency). This variant has not been reported in the literature in individuals affected with RYR1-related conditions. ClinVar contains an entry for this variant (Variation ID: 938658). Algorithms developed to predict the effect of missense changes on protein structure and function are either unavailable or do not agree on the potential impact of this missense change (SIFT: "Tolerated"; PolyPhen-2: "Possibly Damaging"; Align-GVGD: "Class C0"). In summary, the available evidence is currently insufficient to determine the role of this variant in disease. Therefore, it has been classified as a Variant of Uncertain Significance.

NM_000540.3(RYR1):c.14515G>C (p.Val4839Leu)

Gene: RYR1 (ryanodine receptor 1; plus strand). Cytogenetic location: 19q13.2.
Variant type: single nucleotide variant.
Coding change: c.14515G>C on transcript NM_000540.3 (MANE Select); coding-DNA position 14515, G replaced by C.
Protein change: p.Val4839Leu; replaces valine 4839 with leucine.
Molecular consequence: missense variant.
Genome position (GRCh38, 1-based): chr19:38,580,373, G>C. VCF-style: chr19-38580373-G-C. GRCh37 (hg19) VCF-style: chr19-39071013-G-C.
Other names: c.14500G>C, p.Val4834Leu (NM_001042723.2); short protein forms V4834L, V4839L.
Identifiers: ClinVar variation 938658 (VCV000938658.7), dbSNP rs1974145234, ClinGen allele CA405687557.
Genomic context (GRCh38, chr19:38,580,373, plus strand): 5'-AGGGTGGGGGGAGGGCAAGCCCAGGGCGGAGCTGACCTGGCCCCATCCTGCCCCCAGCTG[G>C]TGATGACCGTGGGCCTTCTGGCGGTGGTCGTCTACCTGTACACCGTGGTGGCCTTCAACT-3'
Protein context (NP_000531.2, residues 4829-4849): SSVTHNGKQL[Val4839Leu]MTVGLLAVVV